The following is an entry in ClinVar:

NM_000053.4(ATP7B):c.3243+183_3243+184insGCC

Gene: ATP7B (ATPase copper transporting beta; minus strand). Cytogenetic location: 13q14.3.
Variant type: Insertion.
Coding change: c.3243+183_3243+184insGCC on transcript NM_000053.4 (MANE Select); bases 183 to 184 of the intron after coding-DNA position 3243, GCC inserted.
Molecular consequence: intron variant.
Genome position: GRCh38 VCF-style: chr13-51943925-T-TGGC. GRCh37 (hg19) VCF-style: chr13-52518061-T-TGGC.
Other names: c.2910+183_2910+184insGCC (NM_001243182.2); c.2622+183_2622+184insGCC (NM_001005918.3); c.2991+183_2991+184insGCC (NM_001330579.2); c.3009+183_3009+184insGCC (NM_001330578.2).
Identifiers: ClinVar variation 680935 (VCV000680935.1), dbSNP rs879917441, ClinGen allele CA250079734.

ClinVar aggregate classification (germline): Benign (1 of 4 stars; one submission).

Allele frequency attached by ClinVar (database versions not stated): gnomAD 0.03720 and 0.03930; 1000 Genomes Project 30x 0.04888.

Submission:

GeneDx
Classification: Benign. Last evaluated: 2018-06-19. Review status: criteria provided, single submitter. Criteria: GeneDx Variant Classification (06012015). Collection method: clinical testing. Allele origin: germline. Affected: yes.
Comment: This variant is considered likely benign or benign based on one or more of the following criteria: it is a conservative change, it occurs at a poorly conserved position in the protein, it is predicted to be benign by multiple in silico algorithms, and/or has population frequency not consistent with disease.